The following is an entry in ClinVar:

NM_000463.3(UGT1A1):c.686C>T (p.Pro229Leu)

Genes: UGT1A10 (UDP glucuronosyltransferase family 1 member A10; plus strand), UGT1A8 (UDP glucuronosyltransferase family 1 member A8; plus strand), UGT1A (UDP glucuronosyltransferase family 1 member A complex locus; plus strand), UGT1A3 (UDP glucuronosyltransferase family 1 member A3; plus strand), UGT1A6 (UDP glucuronosyltransferase family 1 member A6; plus strand) and 5 more. Cytogenetic location: 2q37.1.
Variant type: single nucleotide variant.
Coding change: c.686C>T on transcript NM_000463.3 (MANE Select); coding-DNA position 686, C replaced by T.
Protein change: p.Pro229Leu; replaces proline 229 with leucine.
Molecular consequence: missense variant. On other transcripts: intron variant (9).
Genome position (GRCh38, 1-based): chr2:233,760,973, C>T. VCF-style: chr2-233760973-C-T. GRCh37 (hg19) VCF-style: chr2-234669619-C-T.
Other names: c.856-6061C>T (NM_019076.5, NM_019075.4, NM_021027.3 and 1 more transcripts); c.61-6061C>T (NM_205862.3); c.862-6061C>T (NM_001072.4); c.868-6061C>T (NM_019078.2, NM_007120.3, NM_019093.4); short protein forms P229L.
Identifiers: ClinVar variation 1409267 (VCV001409267.13), dbSNP rs35350960, ClinGen allele CA2179870.

ClinVar aggregate classification (germline): Conflicting classifications of pathogenicity. Review status: criteria provided, conflicting classifications (1 of 4 stars). 5 submissions from 5 submitters: Likely pathogenic (2); Uncertain significance (3). Last evaluated 2025-10-10.

Conditions:
Gilbert syndrome. Also called: HYPERBILIRUBINEMIA, GILBERT TYPE; Gilbert Disease; Gilbert's syndrome; HYPERBILIRUBINEMIA I; HYPERBILIRUBINEMIA, ARIAS TYPE. Identifiers: MedGen C0017551, MONDO:0007745, OMIM 143500.
Crigler-Najjar syndrome type 1. Also called: HYPERBILIRUBINEMIA, CRIGLER-NAJJAR TYPE I. Identifiers: Orphanet 79234, MedGen C0010324, MONDO:0021020, OMIM 218800.
Lucey-Driscoll syndrome (HBLRTFN). Also called: Transient familial neonatal hyperbilirubinemia. Identifiers: Orphanet 2312, MedGen C0270210, MONDO:0009383, OMIM 237900.
Crigler-Najjar syndrome, type II. Also called: HYPERBILIRUBINEMIA, CRIGLER-NAJJAR TYPE II; Crigler Najjar syndrome, type 2; Mutation in the UDP-glucuronosyl-transferase gene. Identifiers: Orphanet 205, Orphanet 79235, MedGen C2931132, MONDO:0011725, OMIM 606785.
BILIRUBIN, SERUM LEVEL OF, QUANTITATIVE TRAIT LOCUS 1 (BILIQTL1). Identifiers: MedGen C1866173, OMIM 601816.

gnomAD v4.1: 74 of 1,614,056 alleles (0.0046%); highest among the groups gnomAD compares: Non-Finnish European, 0.0054%; no homozygotes.

Submissions (5):

Labcorp Genetics (formerly Invitae), Labcorp
Classification: Uncertain significance. Last evaluated: 2025-10-10. Review status: criteria provided, single submitter. Criteria: Invitae Variant Classification Sherloc (09022015). Collection method: clinical testing. Allele origin: germline.
Comment: This sequence change replaces proline, which is neutral and non-polar, with leucine, which is neutral and non-polar, at codon 229 of the UGT1A1 protein (p.Pro229Leu). This variant is present in population databases (rs35350960, gnomAD 0.008%). This variant has not been reported in the literature in individuals affected with UGT1A1-related conditions. ClinVar contains an entry for this variant (Variation ID: 1409267). Invitae Evidence Modeling of protein sequence and biophysical properties (such as structural, functional, and spatial information, amino acid conservation, physicochemical variation, residue mobility, and thermodynamic stability) indicates that this missense variant is not expected to disrupt UGT1A1 protein function with a negative predictive value of 80%. In summary, the available evidence is currently insufficient to determine the role of this variant in disease. Therefore, it has been classified as a Variant of Uncertain Significance.

First Genomix Gene Laboratory, Genetic Diagnostics Department
Classification: Likely pathogenic for Gilbert syndrome; Crigler-Najjar syndrome type 1; Crigler-Najjar syndrome, type II; Lucey-Driscoll syndrome. Last evaluated: 2025-04-18. Review status: criteria provided, single submitter. Criteria: ACMG Guidelines, 2015. Collection method: clinical testing. Allele origin: germline. Inheritance: Autosomal recessive inheritance. Affected: no. Observed: 1 variant allele.

ARUP Laboratories, Molecular Genetics and Genomics, ARUP Laboratories
Classification: Likely pathogenic. Last evaluated: 2024-05-21. Review status: criteria provided, single submitter. Criteria: ARUP Molecular Germline Variant Investigation Process 2024. Collection method: clinical testing. Allele origin: germline.
Comment: The UGT1A1 c.686C>T; p.Pro229Leu variant (rs35350960) is reported in the literature healthy individuals (Abuli 2016, Kaniwa 2005), but functional analyses of this variant demonstrate poor UGT1A1 protein stability, lowered glucuronidation activity, and the variant is predicted to cause Irinotecan toxicity and hyperbilirubinemia (Kaniwa 2005). This variant is found in the non-Finnish European population with an allele frequency of 0.01% (10/129,092 alleles) in the Genome Aggregation Database (v2.1.1). Additionally, another variant at this codon (c.686C>A, p.Pro229Gln, also known as *27), classified as pathogenic-mild, has been reported in individuals with Gilbert syndrome with reduced penetrance (Aono 1995, Gagne 2002, Koiwai 1995, Sun 2017), and may confer an increased risk for drug toxicity when treated with irinotecan (Ando 2000, Teh 2012). Based on available information, the p.Pro229Leu variant is considered to be likely pathogenic-mild for Gilbert syndrome with possible reduced penetrance. Although it is possible that the pharmacogenetic impact of this variant can be similar to that of the p.Pro229Gln variant, additional clinical evidence is warranted to confirm such association. References:

Revvity Omics, Revvity
Classification: Uncertain significance. Last evaluated: 2023-12-28. Review status: criteria provided, single submitter. Criteria: ACMG Guidelines, 2015. Collection method: clinical testing. Allele origin: germline.

Fulgent Genetics
Classification: Uncertain significance for Gilbert syndrome; Crigler-Najjar syndrome type 1; Lucey-Driscoll syndrome; BILIRUBIN, SERUM LEVEL OF, QUANTITATIVE TRAIT LOCUS 1; Crigler-Najjar syndrome, type II. Last evaluated: 2022-04-01. Review status: criteria provided, single submitter. Criteria: ACMG Guidelines, 2015. Collection method: clinical testing. Allele origin: unknown.